The following is an entry in ClinVar:

NM_025074.7(FRAS1):c.9575del (p.Pro3192fs)

Gene: FRAS1 (Fraser extracellular matrix complex subunit 1; plus strand). Cytogenetic location: 4q21.21.
Variant type: Deletion.
Coding change: c.9575del on transcript NM_025074.7 (MANE Select); coding-DNA position 9575, one base deleted (C; older notation c.9575delC).
Protein change: p.Pro3192fs; shifts the reading frame from proline 3192.
Molecular consequence: frameshift variant.
Genome position (GRCh38, 1-based): chr4:78,508,801, C deleted; the last of 4 consecutive C bases (chr4:78,508,798-78,508,801); deleting any one gives the same sequence. VCF-style (leftmost placement, unchanged base first): chr4-78508797-TC-T. GRCh37 (hg19) VCF-style: chr4-79429951-TC-T.
Other names: short protein forms P3192fs.
Identifiers: ClinVar variation 2024612 (VCV002024612.7), dbSNP rs2475808518, ClinGen allele CA2580071820.

ClinVar aggregate classification (germline): Pathogenic/Likely pathogenic. Review status: criteria provided, multiple submitters, no conflicts (2 of 4 stars). 2 submissions from 2 submitters: Pathogenic (1); Likely pathogenic (1). Last evaluated 2022-09-02.

Conditions:
Fraser syndrome 1 (FRASRS1). Also called: CRYPTOPHTHALMOS WITH OTHER MALFORMATIONS. Identifiers: Orphanet 2052, MedGen C4551480, MONDO:0054737, OMIM 219000.

Submissions (2):

Labcorp Genetics (formerly Invitae), Labcorp
Classification: Pathogenic. Last evaluated: 2022-09-02. Review status: criteria provided, single submitter. Criteria: Invitae Variant Classification Sherloc (09022015). Collection method: clinical testing. Allele origin: germline.
Comment: This sequence change creates a premature translational stop signal (p.Pro3192Glnfs*21) in the FRAS1 gene. It is expected to result in an absent or disrupted protein product. Loss-of-function variants in FRAS1 are known to be pathogenic (PMID: 12766769, 18671281). This variant is not present in population databases (gnomAD no frequency). This variant has not been reported in the literature in individuals affected with FRAS1-related conditions. For these reasons, this variant has been classified as Pathogenic.

Revvity Omics, Revvity
Classification: Likely pathogenic for Fraser syndrome 1. Last evaluated: 2021-11-28. Review status: criteria provided, single submitter. Criteria: ACMG Guidelines, 2015. Collection method: clinical testing. Allele origin: germline.

Literature cited by the submitters: PubMed 12766769 (cited by Labcorp Genetics (formerly Invitae), Labcorp); PubMed 18671281 (cited by Labcorp Genetics (formerly Invitae), Labcorp).